The following is an entry in ClinVar:

ClinVar aggregate classification (germline): Uncertain significance (1 of 4 stars; one submission).

Conditions:
Osteogenesis imperfecta type I (OI1). Also called: Lobstein's Disease; Lobstein disease; Classic Non-deforming Osteogenesis Imperfecta with Blue Sclerae; OI, TYPE I; OSTEOGENESIS IMPERFECTA TARDA; OSTEOGENESIS IMPERFECTA WITH BLUE SCLERAE. Identifiers: Orphanet 216796, Orphanet 666, MedGen C0023931, MONDO:0008146, OMIM 166200. Disease mechanism: loss of function.

Allele frequency attached by ClinVar (database versions not stated): gnomAD exomes below 0.00001.

Submission:

Labcorp Genetics (formerly Invitae), Labcorp
Classification: Uncertain significance for Osteogenesis imperfecta type I. Last evaluated: 2024-04-11. Review status: criteria provided, single submitter. Criteria: Invitae Variant Classification Sherloc (09022015). Collection method: clinical testing. Allele origin: germline.
Comment: This sequence change replaces proline, which is neutral and non-polar, with arginine, which is basic and polar, at codon 219 of the COL1A1 protein (p.Pro219Arg). This variant is not present in population databases (gnomAD no frequency). This variant has not been reported in the literature in individuals affected with COL1A1-related conditions. Advanced modeling of protein sequence and biophysical properties (such as structural, functional, and spatial information, amino acid conservation, physicochemical variation, residue mobility, and thermodynamic stability) performed at Invitae indicates that this missense variant is expected to disrupt COL1A1 protein function with a positive predictive value of 95%. In summary, the available evidence is currently insufficient to determine the role of this variant in disease. Therefore, it has been classified as a Variant of Uncertain Significance.

NM_000088.4(COL1A1):c.656C>G (p.Pro219Arg)

Gene: COL1A1 (collagen type I alpha 1 chain; minus strand). Cytogenetic location: 17q21.33.
Variant type: single nucleotide variant.
Coding change: c.656C>G on transcript NM_000088.4 (MANE Select); coding-DNA position 656, C replaced by G.
Protein change: p.Pro219Arg; replaces proline 219 with arginine.
Molecular consequence: missense variant.
Genome position (GRCh38, 1-based): chr17:50,197,772, G>C on the plus strand (C>G on the coding strand, the complement: COL1A1 is on the minus strand). VCF-style: chr17-50197772-G-C. GRCh37 (hg19) VCF-style: chr17-48275133-G-C.
Other names: short protein forms P219R.
Identifiers: ClinVar variation 2843160 (VCV002843160.3), dbSNP rs1332666569, ClinGen allele CA400224777.